The following is an entry in ClinVar:

ClinVar aggregate classification (germline): Uncertain significance (1 of 4 stars; one submission).

Conditions:
Idiopathic Pulmonary Fibrosis. Also called: Idiopathic fibrosing alveolitis, chronic form; idiopathic fibrosing alveolitis. Identifiers: Orphanet 2032, MedGen C1800706, MeSH D054990, MONDO:0800504.
Dyskeratosis congenita, autosomal dominant 2. Identifiers: MedGen C3151443, MONDO:0013521, OMIM 613989.

Allele frequency attached by ClinVar (database versions not stated): gnomAD exomes below 0.00001; TOPMed below 0.00001.
gnomAD v4.1: 4 of 1,613,890 alleles (0.00025%); highest among the groups gnomAD compares: African/African-American, 0.0053%; no homozygotes.

Submission:

Labcorp Genetics (formerly Invitae), Labcorp
Classification: Uncertain significance for Dyskeratosis congenita, autosomal dominant 2; Idiopathic Pulmonary Fibrosis. Last evaluated: 2023-08-17. Review status: criteria provided, single submitter. Criteria: Invitae Variant Classification Sherloc (09022015). Collection method: clinical testing. Allele origin: germline.
Comment: In summary, the available evidence is currently insufficient to determine the role of this variant in disease. Therefore, it has been classified as a Variant of Uncertain Significance. Variants that disrupt the consensus splice site are a relatively common cause of aberrant splicing (PMID: 17576681, 9536098). Algorithms developed to predict the effect of sequence changes on RNA splicing suggest that this variant is not likely to affect RNA splicing. ClinVar contains an entry for this variant (Variation ID: 1442302). This variant has not been reported in the literature in individuals affected with TERT-related conditions. This variant is not present in population databases (gnomAD no frequency). This sequence change falls in intron 12 of the TERT gene. It does not directly change the encoded amino acid sequence of the TERT protein. It affects a nucleotide within the consensus splice site.

Literature cited by the submitters: PubMed 17576681; PubMed 9536098.

NM_198253.3(TERT):c.2970+6C>T

Gene: TERT (telomerase reverse transcriptase; minus strand). Cytogenetic location: 5p15.33.
Variant type: single nucleotide variant.
Coding change: c.2970+6C>T on transcript NM_198253.3 (MANE Select); 6 bases into the intron after coding-DNA position 2970, C replaced by T.
Molecular consequence: intron variant.
Genome position (GRCh38, 1-based): chr5:1,260,468, G>A on the plus strand (C>T on the coding strand, the complement: TERT is on the minus strand). VCF-style: chr5-1260468-G-A. GRCh37 (hg19) VCF-style: chr5-1260583-G-A.
Other names: c.2781+6C>T (NM_001193376.3).
Identifiers: ClinVar variation 1442302 (VCV001442302.44), dbSNP rs1396703353, ClinGen allele CA803362311.